The following is an entry in ClinVar:

ClinVar aggregate classification (germline): Uncertain significance (1 of 4 stars; one submission).

Conditions:
Fanconi anemia (FA). Also called: Fanconi's anemia. Identifiers: Orphanet 84, MedGen C0015625, MeSH D005199, MONDO:0019391.

Allele frequency attached by ClinVar (database versions not stated): ExAC 0.00001.
gnomAD v4.1: 10 of 1,608,476 alleles (0.00062%); highest among the groups gnomAD compares: Non-Finnish European, 0.00085%; no homozygotes.

Submission:

Labcorp Genetics (formerly Invitae), Labcorp
Classification: Uncertain significance for Fanconi anemia. Last evaluated: 2022-07-26. Review status: criteria provided, single submitter. Criteria: Invitae Variant Classification Sherloc (09022015). Collection method: clinical testing. Allele origin: germline.
Comment: This sequence change replaces cysteine, which is neutral and slightly polar, with serine, which is neutral and polar, at codon 55 of the FANCL protein (p.Cys55Ser). This variant is present in population databases (rs771934669, gnomAD 0.0009%). This variant has not been reported in the literature in individuals affected with FANCL-related conditions. Algorithms developed to predict the effect of missense changes on protein structure and function are either unavailable or do not agree on the potential impact of this missense change (SIFT: "Deleterious"; PolyPhen-2: "Probably Damaging"; Align-GVGD: "Class C0"). In summary, the available evidence is currently insufficient to determine the role of this variant in disease. Therefore, it has been classified as a Variant of Uncertain Significance.

NM_018062.4(FANCL):c.163T>A (p.Cys55Ser)

Gene: FANCL (FA complementation group L; minus strand). Cytogenetic location: 2p16.1.
Variant type: single nucleotide variant.
Coding change: c.163T>A on transcript NM_018062.4 (MANE Select); coding-DNA position 163, T replaced by A.
Protein change: p.Cys55Ser; replaces cysteine 55 with serine.
Molecular consequence: missense variant.
Genome position (GRCh38, 1-based): chr2:58,229,867, A>T on the plus strand (T>A on the coding strand, the complement: FANCL is on the minus strand). VCF-style: chr2-58229867-A-T. GRCh37 (hg19) VCF-style: chr2-58457002-A-T.
Other names: c.163T>A, p.Cys55Ser (NM_001114636.2, NM_001374615.1, NM_001410792.1); short protein forms C55S.
Identifiers: ClinVar variation 2111987 (VCV002111987.1), dbSNP rs771934669, ClinGen allele CA1670765.